The following is an entry in ClinVar:

NM_006031.6(PCNT):c.4354G>A (p.Gly1452Arg)

Gene: PCNT (pericentrin; plus strand). Cytogenetic location: 21q22.3.
Variant type: single nucleotide variant.
Coding change: c.4354G>A on transcript NM_006031.6 (MANE Select); coding-DNA position 4354, G replaced by A.
Protein change: p.Gly1452Arg; replaces glycine 1452 with arginine.
Molecular consequence: missense variant.
Genome position (GRCh38, 1-based): chr21:46,397,402, G>A. VCF-style: chr21-46397402-G-A. GRCh37 (hg19) VCF-style: chr21-47817316-G-A.
Other names: c.4000G>A, p.Gly1334Arg (NM_001315529.2); short protein forms G1452R, G1334R.
Identifiers: ClinVar variation 159602 (VCV000159602.58), dbSNP rs143796569, ClinGen allele CA251066.

ClinVar aggregate classification (germline): Benign/Likely benign. Review status: criteria provided, multiple submitters, no conflicts (2 of 4 stars). 10 submissions from 10 submitters: Benign (7); Likely benign (3). Last evaluated 2026-05-01.

Conditions:
Microcephalic osteodysplastic primordial dwarfism type II (MOPD2). Also called: MOPD II; OSTEODYSPLASTIC PRIMORDIAL DWARFISM, TYPE II; Microcephalic osteodysplastic primordial dwarfism with tooth abnormalities. Identifiers: Orphanet 2637, MedGen C0432246, MONDO:0008872, OMIM 210720.
Intellectual disability. Also called: Intellectual functioning disability; intellectual disabilities; Intellectual developmental disorder. Identifiers: MedGen C3714756, MeSH D008607, MONDO:0001071, HP:0001249.

Allele frequency attached by ClinVar (database versions not stated): TOPMed 0.00142; ESP Exome Variant Server 0.00146; gnomAD 0.00149 and 0.00192; gnomAD exomes 0.00283; 1000 Genomes Project 30x 0.00297; ExAC 0.00317; 1000 Genomes Project 0.00359.
gnomAD v4.1: 5,154 of 1,614,170 alleles (0.32%); highest among the groups gnomAD compares: South Asian, 1.3%; 27 homozygotes.

Submissions (13):

CeGaT Center for Human Genetics Tuebingen
Classification: Benign. Last evaluated: 2026-05-01. Review status: criteria provided, single submitter. Criteria: CeGaT Center For Human Genetics Tuebingen Variant Classification Criteria Version 2. Collection method: clinical testing. Allele origin: germline. Affected: yes. Observed: 8 variant alleles.
Comment: PCNT: BP4, BS1, BS2

Labcorp Genetics (formerly Invitae), Labcorp
Classification: Benign. Last evaluated: 2026-02-04. Review status: criteria provided, single submitter. Criteria: Invitae Variant Classification Sherloc (09022015). Collection method: clinical testing. Allele origin: germline.

ARUP Laboratories, Molecular Genetics and Genomics, ARUP Laboratories
Classification: Benign for Microcephalic osteodysplastic primordial dwarfism type II. Last evaluated: 2025-02-07. Review status: criteria provided, single submitter. Criteria: ARUP Molecular Germline Variant Investigation Process 2024. Collection method: clinical testing. Allele origin: germline.

Fulgent Genetics
Classification: Likely benign for Microcephalic osteodysplastic primordial dwarfism type II. Last evaluated: 2021-07-21. Review status: criteria provided, single submitter. Criteria: ACMG Guidelines, 2015. Collection method: clinical testing. Allele origin: unknown.

Illumina Laboratory Services, Illumina
Classification: Benign for Microcephalic osteodysplastic primordial dwarfism type II. Last evaluated: 2018-01-13. Review status: criteria provided, single submitter. Criteria: ICSL Variant Classification Criteria 13 December 2019. Collection method: clinical testing. Allele origin: germline.
Comment: This variant was observed in the ICSL laboratory as part of a predisposition screen in an ostensibly healthy population. It had not been previously curated by ICSL or reported in the Human Gene Mutation Database (HGMD: prior to June 1st, 2018), and was therefore a candidate for classification through an automated scoring system. Utilizing variant allele frequency, disease prevalence and penetrance estimates, and inheritance mode, an automated score was calculated to assess if this variant is too frequent to cause the disease. Based on the score and internal cut-off values, a variant classified as benign is not then subjected to further curation. The score for this variant resulted in a classification of benign for this disease.

GeneDx
Classification: Likely benign. Last evaluated: 2016-07-14. Review status: criteria provided, single submitter. Criteria: GeneDx Variant Classification (06012015). Collection method: clinical testing. Allele origin: germline. Affected: yes.
Comment: This variant is considered likely benign or benign based on one or more of the following criteria: it is a conservative change, it occurs at a poorly conserved position in the protein, it is predicted to be benign by multiple in silico algorithms, and/or has population frequency not consistent with disease.

Eurofins Ntd Llc (ga)
Classification: Benign. Last evaluated: 2016-03-03. Review status: criteria provided, single submitter. Criteria: EGL Classification Definitions 2015. Collection method: clinical testing. Allele origin: germline. Observed: 3 variant alleles, 3 heterozygotes.

Genetic Services Laboratory, University of Chicago
Classification: Benign. Last evaluated: 2015-11-17. Review status: criteria provided, single submitter. Criteria: ACMG Guidelines, 2015. Collection method: clinical testing. Allele origin: germline. Affected: no.

Breakthrough Genomics
Classification: Likely benign. Review status: criteria provided, single submitter. Criteria: ACMG Guidelines, 2015. Collection method: not provided. Allele origin: germline. Inheritance: Autosomal recessive inheritance. Affected: yes.

Broad Center for Mendelian Genomics, Broad Institute of MIT and Harvard
Classification: Benign for Intellectual disability. Review status: criteria provided, single submitter. Criteria: ACMG Guidelines, 2015. Collection method: research. Allele origin: germline. Inheritance: Autosomal dominant inheritance. Affected: yes.
Comment: The heterozygous p.Gly1452Arg variant in PCNT has been identified in the compound heterozygous state in an individual with intellectual disability (PMID: 23033978), but has also been identified in >1% of South Asian chromosomes and 3 homozygotes by ExAC. In summary, this variant meets criteria to be classified as benign for intellectual disability.

Dr. Peter K. Rogan Lab, Western University
No classification provided (evidence only). Condition: Ovarian serous cystadenocarcinoma. Review status: no classification provided. Collection method: in vitro. Allele origin: not applicable. Functional consequence: retained intron. Not counted in ClinVar's aggregate classification.

Dr. Peter K. Rogan Lab, Western University
No classification provided (evidence only). Condition: Ovarian serous cystadenocarcinoma. Review status: no classification provided. Collection method: in vitro. Allele origin: not applicable. Functional consequence: retained intron. Not counted in ClinVar's aggregate classification.

Dr. Peter K. Rogan Lab, Western University
No classification provided (evidence only). Condition: Uterine carcinosarcoma. Review status: no classification provided. Collection method: in vitro. Allele origin: not applicable. Functional consequence: retained intron. Not counted in ClinVar's aggregate classification.

Literature cited by the submitters: PubMed 23033978 (cited by Broad Center for Mendelian Genomics, Broad Institute of MIT and Harvard).